The following is an entry in ClinVar:

NM_024301.5(FKRP):c.1040T>A (p.Leu347Gln)

Gene: FKRP (fukutin related protein; plus strand). Cytogenetic location: 19q13.32.
Variant type: single nucleotide variant.
Coding change: c.1040T>A on transcript NM_024301.5 (MANE Select); coding-DNA position 1040, T replaced by A.
Protein change: p.Leu347Gln; replaces leucine 347 with glutamine.
Molecular consequence: missense variant.
Genome position (GRCh38, 1-based): chr19:46,756,490, T>A. VCF-style: chr19-46756490-T-A. GRCh37 (hg19) VCF-style: chr19-47259747-T-A.
Other names: c.1040T>A, p.Leu347Gln (NM_001039885.3); short protein forms L347Q.
Identifiers: ClinVar variation 1774034 (VCV001774034.2), dbSNP rs2513995900, ClinGen allele CA406496526.

ClinVar aggregate classification (germline): Uncertain significance (1 of 4 stars; one submission).

Conditions:
Cardiovascular phenotype. Identifiers: MedGen CN230736.

Allele frequency attached by ClinVar (database versions not stated): gnomAD exomes below 0.00001.
gnomAD v4.1: 1 of 1,543,208 alleles (0.000065%); highest among the groups gnomAD compares: Non-Finnish European, 0.000087%; no homozygotes.

Submission:

Ambry Genetics
Classification: Uncertain significance for Cardiovascular phenotype. Last evaluated: 2021-11-24. Review status: criteria provided, single submitter. Criteria: Ambry Variant Classification Scheme 2023. Collection method: clinical testing. Allele origin: germline.
Comment: The p.L347Q variant (also known as c.1040T>A), located in coding exon 1 of the FKRP gene, results from a T to A substitution at nucleotide position 1040. The leucine at codon 347 is replaced by glutamine, an amino acid with dissimilar properties. This amino acid position is conserved. In addition, this alteration is predicted to be deleterious by in silico analysis. Since supporting evidence is limited at this time, the clinical significance of this alteration remains unclear.